The following is an entry in ClinVar:

NM_000531.6(OTC):c.424_514del (p.Val142fs)

Gene: OTC (ornithine transcarbamylase; plus strand). Cytogenetic location: Xp11.4.
Variant type: Deletion.
Coding change: c.424_514del on transcript NM_000531.6 (MANE Select); coding-DNA positions 424 to 514, 91 bases deleted.
Protein change: p.Val142fs; shifts the reading frame from valine 142.
Molecular consequence: frameshift variant.
Genome position (GRCh38, 1-based): chrX:38,401,312-38,401,402, 91 bases deleted. GRCh37 (hg19): chrX:38,260,565-38,260,655.
Other names: c.424_514del, p.Val142fs (NM_001407092.1); short protein forms V142fs.
Identifiers: ClinVar variation 3899348 (VCV003899348.2).

ClinVar aggregate classification (germline): Likely pathogenic (1 of 4 stars; one submission).

Conditions:
Ornithine carbamoyltransferase deficiency (OTCD). Also called: OTC DEFICIENCY; ORNITHINE TRANSCARBAMYLASE DEFICIENCY, HYPERAMMONEMIA DUE TO; ORNITHINE TRANSCARBAMYLASE DEFICIENCY; Ornithine Carbamoyltransferase Deficiency Disease. Identifiers: Orphanet 664, MedGen C0268542, MONDO:0010703, OMIM 311250.

Submission:

Juno Genomics, Hangzhou Juno Genomics, Inc
Classification: Likely pathogenic for Ornithine carbamoyltransferase deficiency. Review status: criteria provided, single submitter. Criteria: ACMG Guidelines, 2015. Collection method: clinical testing. Allele origin: germline. Affected: yes.
Comment: Absent from controls (or at extremely low frequency if recessive) in Genome Aggregation Database, Exome Sequencing Project, 1000 Genomes Project, or Exome Aggregation Consortium.;Null variant in a gene where loss of function (LOF) is a known mechanism of disease.